The following is an entry in ClinVar:

NM_000466.3(PEX1):c.2185C>T (p.His729Tyr)

Gene: PEX1 (peroxisomal biogenesis factor 1; minus strand). Cytogenetic location: 7q21.2.
Variant type: single nucleotide variant.
Coding change: c.2185C>T on transcript NM_000466.3 (MANE Select); coding-DNA position 2185, C replaced by T.
Protein change: p.His729Tyr; replaces histidine 729 with tyrosine.
Molecular consequence: missense variant.
Genome position (GRCh38, 1-based): chr7:92,503,082, G>A on the plus strand (C>T on the coding strand, the complement: PEX1 is on the minus strand). VCF-style: chr7-92503082-G-A. GRCh37 (hg19) VCF-style: chr7-92132396-G-A.
Other names: c.2014C>T, p.His672Tyr (NM_001282677.2); c.1561C>T, p.His521Tyr (NM_001282678.2); short protein forms H729Y, H521Y, H672Y.
Identifiers: ClinVar variation 4984369 (VCV004984369.1).

ClinVar aggregate classification (germline): Uncertain significance (1 of 4 stars; one submission).

Conditions:
PEX1-related disorder. Also called: PEX1-related condition.

gnomAD v4.1: 4 of 1,613,792 alleles (0.00025%); highest among the groups gnomAD compares: Non-Finnish European, 0.00034%; no homozygotes.

Submission:

PreventionGenetics, part of Exact Sciences
Classification: Uncertain significance for PEX1-related condition. Last evaluated: 2025-03-19. Review status: criteria provided, single submitter. Criteria: ACMG Guidelines, 2015. Collection method: clinical testing. Allele origin: germline.
Comment: The PEX1 c.2185C>T variant is predicted to result in the amino acid substitution p.His729Tyr. To our knowledge, this variant has not been reported in the literature or in a large population database (gnomAD), indicating this variant is rare. At this time, the clinical significance of this variant is uncertain due to the absence of conclusive functional and genetic evidence.